The following is an entry in ClinVar:

ClinVar aggregate classification (germline): Likely benign (0 of 4 stars; one submission).

Conditions:
TERT-related disorder. Also called: TERT-related condition; TERT-related disorders.

Submission:

PreventionGenetics, part of Exact Sciences
Classification: Likely benign for TERT-related condition. Last evaluated: 2021-12-02. Review status: no assertion criteria provided. Collection method: clinical testing. Allele origin: germline.
Comment: This variant is classified as likely benign based on ACMG/AMP sequence variant interpretation guidelines (Richards et al. 2015 PMID: 25741868, with internal and published modifications).

NM_198253.3(TERT):c.-3G>A

Genes: TERT (telomerase reverse transcriptase; minus strand), LOC110806263 (TERT 5' regulatory region; plus strand). Cytogenetic location: 5p15.33.
Variant type: single nucleotide variant.
Coding change: c.-3G>A on transcript NM_198253.3 (MANE Select); 3 bases upstream of the start codon, G replaced by A.
Molecular consequence: 5 prime UTR variant. On other transcripts: non-coding transcript variant (2).
Genome position (GRCh38, 1-based): chr5:1,294,992, C>T on the plus strand (G>A on the coding strand, the complement: TERT is on the minus strand). VCF-style: chr5-1294992-C-T. GRCh37 (hg19) VCF-style: chr5-1295107-C-T.
Other names: c.-3G>A (NM_001193376.3, NM_003219.1).
Identifiers: ClinVar variation 3029714 (VCV003029714.2), dbSNP rs2478437740, ClinGen allele CA2579845997.